The following is an entry in ClinVar:

NM_006180.6(NTRK2):c.1634-7993_1634-7986del

Gene: NTRK2 (neurotrophic receptor tyrosine kinase 2; plus strand). Cytogenetic location: 9q21.33.
Variant type: Deletion.
Coding change: c.1634-7993_1634-7986del on transcript NM_006180.6 (MANE Select); 7993 bases into the intron before coding-DNA position 1634 through 7986 bases into the intron before coding-DNA position 1634, 8 bases deleted (CCTTTCTT; older notation c.1634-7993_1634-7986delCCTTTCTT).
Molecular consequence: intron variant.
Genome position (GRCh38, 1-based): chr9:84,926,169-84,926,176, CCTTTCTT deleted; deleting any 8 consecutive bases within chr9:84,926,166-84,926,176 gives the same sequence; the c. name uses the placement nearest the transcript's 3' end. VCF-style (leftmost placement, unchanged base first): chr9-84926165-CCTTCCTTT-C. GRCh37 (hg19) VCF-style: chr9-87541080-CCTTCCTTT-C.
Other names: c.1586-7993_1586-7986del (NM_001369532.1, NM_001369533.1, NM_001018064.3); c.1550-7993_1550-7986del (NM_001369534.1); c.1166-7993_1166-7986del (NM_001369536.1); c.1118-7993_1118-7986del (NM_001369535.1).
Identifiers: ClinVar variation 3239333 (VCV003239333.19), dbSNP rs61262253.

ClinVar aggregate classification (germline): Likely benign (1 of 4 stars; one submission).

Submission:

CeGaT Center for Human Genetics Tuebingen
Classification: Likely benign. Last evaluated: 2026-07-01. Review status: criteria provided, single submitter. Criteria: CeGaT Center For Human Genetics Tuebingen Variant Classification Criteria Version 2. Collection method: clinical testing. Allele origin: germline. Affected: yes. Observed: 18 variant alleles.
Comment: NTRK2: BS1